The following is an entry in ClinVar:

ClinVar aggregate classification (germline): Uncertain significance (1 of 4 stars; one submission).

Conditions:
Ehlers-Danlos syndrome, classic type, 1 (EDSCL1). Also called: EHLERS-DANLOS SYNDROME, GRAVIS TYPE; EHLERS-DANLOS SYNDROME, SEVERE CLASSIC TYPE; Ehlers-Danlos syndrome, type 1; Ehlers-Danlos Syndrome, Classic Type, COL5A1-Related; EDS I. Identifiers: MedGen C0268335, MONDO:0019567, OMIM 130000.

Submission:

Labcorp Genetics (formerly Invitae), Labcorp
Classification: Uncertain significance for Ehlers-Danlos syndrome, classic type, 1. Last evaluated: 2024-09-29. Review status: criteria provided, single submitter. Criteria: Invitae Variant Classification Sherloc (09022015). Collection method: clinical testing. Allele origin: germline.
Comment: This sequence change replaces proline, which is neutral and non-polar, with serine, which is neutral and polar, at codon 1344 of the COL5A1 protein (p.Pro1344Ser). This variant is not present in population databases (gnomAD no frequency). This variant has not been reported in the literature in individuals affected with COL5A1-related conditions. Invitae Evidence Modeling of protein sequence and biophysical properties (such as structural, functional, and spatial information, amino acid conservation, physicochemical variation, residue mobility, and thermodynamic stability) indicates that this missense variant is expected to disrupt COL5A1 protein function with a positive predictive value of 80%. In summary, the available evidence is currently insufficient to determine the role of this variant in disease. Therefore, it has been classified as a Variant of Uncertain Significance.

NM_000093.5(COL5A1):c.4030C>T (p.Pro1344Ser)

Gene: COL5A1 (collagen type V alpha 1 chain; plus strand). Cytogenetic location: 9q34.3.
Variant type: single nucleotide variant.
Coding change: c.4030C>T on transcript NM_000093.5 (MANE Select); coding-DNA position 4030, C replaced by T.
Protein change: p.Pro1344Ser; replaces proline 1344 with serine.
Molecular consequence: missense variant.
Genome position (GRCh38, 1-based): chr9:134,815,591, C>T. VCF-style: chr9-134815591-C-T. GRCh37 (hg19) VCF-style: chr9-137707437-C-T.
Other names: c.4030C>T, p.Pro1344Ser (NM_001278074.1); short protein forms P1344S.
Identifiers: ClinVar variation 3609674 (VCV003609674.2).